The following is an entry in ClinVar:

ClinVar aggregate classification (germline): Conflicting classifications of pathogenicity. Review status: criteria provided, conflicting classifications (1 of 4 stars). 3 submissions from 3 submitters: Pathogenic (1); Likely pathogenic (1); Uncertain significance (1). Last evaluated 2022-03-14.

Conditions:
Marfan syndrome (MFS). Also called: Marfan syndrome, classic; FBN1-Related Marfan Syndrome; Marfan syndrome type 1; Marfan's syndrome; MARFAN SYNDROME, TYPE I. Identifiers: Orphanet 284963, Orphanet 558, MedGen C0024796, MONDO:0007947, OMIM 154700.
Familial thoracic aortic aneurysm and aortic dissection (TAAD). Also called: Thoracic aortic aneurysms and dissections. Identifiers: Orphanet 91387, MedGen C4707243, MONDO:0019625.
FBN1-related disorder. Also called: FBN1-related disorders.

Submissions (3):

Labcorp Genetics (formerly Invitae), Labcorp
Classification: Pathogenic for Marfan syndrome; Familial thoracic aortic aneurysm and aortic dissection. Last evaluated: 2022-03-14. Review status: criteria provided, single submitter. Criteria: Invitae Variant Classification Sherloc (09022015). Collection method: clinical testing. Allele origin: germline.
Comment: This sequence change falls in intron 36 of the FBN1 gene. It does not directly change the encoded amino acid sequence of the FBN1 protein. For these reasons, this variant has been classified as Pathogenic. Algorithms developed to predict the effect of sequence changes on RNA splicing suggest that this variant may disrupt the consensus splice site. ClinVar contains an entry for this variant (Variation ID: 200046). This variant has been observed in individual(s) with clinical features of FBN1-related conditions (Invitae). In at least one individual the variant was observed to be de novo. This variant is not present in population databases (gnomAD no frequency).

Blueprint Genetics
Classification: Likely pathogenic for FBN1-related disorders. Last evaluated: 2020-08-24. Review status: criteria provided, single submitter. Criteria: ACMG Guidelines, 2015. Collection method: clinical testing. Allele origin: germline. Affected: yes. Observed: 2 variant alleles.

GeneDx
Classification: Uncertain significance. Last evaluated: 2014-02-22. Review status: criteria provided, single submitter. Criteria: GeneDx Variant Classification (06012015). Collection method: clinical testing. Allele origin: germline. Affected: yes.
Comment: c.4460-9 C>A: IVS36-9 C>A in intron 36 of the FBN1 gene (NM_000138.4)The c.4460-9 C>A variant in the FBN1 gene has not been reported as a disease-causing mutation or as a benign polymorphism to our knowledge. Two in silico splice prediction algorithms predict c.4460-9 C>A damages the natural splice acceptor site and creates a cryptic splice site which may cause abnormal gene splicing. Other splice site mutations in the FBN1 gene have been reported in association with Marfan syndrome. The c.4460-9 C>A variant was not observed in approximately 6,500 individuals of European and African American ancestry in the NHLBI Exome Sequencing Project, indicating it is not a common benign variant in these populations.With the clinical and molecular information available at this time, we cannot definitively determine if c.4460-9 C>A is a disease-causing mutation or a rare benign variant. The variant is found in TAAD panel(s).

NM_000138.5(FBN1):c.4460-9C>A

Gene: FBN1 (fibrillin 1; minus strand). Cytogenetic location: 15q21.1.
Variant type: single nucleotide variant.
Coding change: c.4460-9C>A on transcript NM_000138.5 (MANE Select); 9 bases into the intron before coding-DNA position 4460, C replaced by A.
Molecular consequence: intron variant.
Genome position (GRCh38, 1-based): chr15:48,468,543, G>T on the plus strand (C>A on the coding strand, the complement: FBN1 is on the minus strand). VCF-style: chr15-48468543-G-T. GRCh37 (hg19) VCF-style: chr15-48760740-G-T.
Identifiers: ClinVar variation 200046 (VCV000200046.7), dbSNP rs372753740, ClinGen allele CA015115.